The following is an entry in ClinVar:

ClinVar aggregate classification (germline): Pathogenic. Review status: reviewed by expert panel (3 of 4 stars). 38 submissions from 38 submitters: Pathogenic (1). 37 of the submissions do not count toward it. Last evaluated 2016-04-22.

Conditions:
Inherited breast cancer and ovarian cancer.
BRCA2-related cancer predisposition. Identifiers: MedGen CN377758, MONDO:0700269.
Hereditary cancer-predisposing syndrome. Also called: Hereditary neoplastic syndrome; Hereditary Cancer Syndrome; Tumor predisposition; Neoplastic Syndromes, Hereditary. Identifiers: Orphanet 140162, MedGen C0027672, MeSH D009386, MONDO:0015356.
BRCA2-related disorder. Also called: BRCA2-related condition; BRCA2-related disorders. Identifiers: MedGen CN239275.
Gastric cancer. Also called: Stomach cancer; Malignant tumor of stomach. Identifiers: MedGen C0024623, MeSH D013274, MONDO:0001056, OMIM 613659, HP:0012126.
Glioma susceptibility 3 (GLM3). Also called: Glioblastoma 3. Identifiers: Orphanet 182067, Orphanet 360, MedGen C2751641, MONDO:0013093, OMIM 613029.
Prostate cancer. Also called: Malignant tumor of prostate. Identifiers: Orphanet 1331, MedGen C0376358, MONDO:0008315, HP:0012125.
Breast-ovarian cancer, familial, susceptibility to, 2 (BROVCA2). Also called: BRCA2 Hereditary Breast and Ovarian Cancer. Identifiers: Orphanet 145, MedGen C2675520, MONDO:0012933, OMIM 612555. Disease mechanism: loss of function.
Wilms tumor 1 (WT1). Also called: Wilms tumor, somatic. Identifiers: Orphanet 654, MedGen CN033288, MONDO:0008679, OMIM 194070.
Medulloblastoma (MDB). Also called: MEDULLOBLASTOMA PREDISPOSITION SYNDROME; Medulloblastoma, somatic. Identifiers: Orphanet 616, MedGen C0025149, MeSH D008527, MONDO:0007959, OMIM 155255, HP:0002885.
Fanconi anemia complementation group D1. Also called: BRCA2-Related Fanconi Anemia. Identifiers: Orphanet 319462, MedGen C1838457, MONDO:0011584, OMIM 605724.
Familial cancer of breast. Also called: Hereditary breast cancer; hereditary breast carcinoma; BREAST CANCER, FAMILIAL. Identifiers: Orphanet 227535, MedGen C0346153, MONDO:0016419, OMIM 114480. Disease mechanism: loss of function.
Pancreatic cancer, susceptibility to, 2. Identifiers: Orphanet 1333, MedGen C3150546, MONDO:0013235, OMIM 613347.
Hereditary breast ovarian cancer syndrome. Also called: Breast and ovarian cancer; Hereditary breast and/or ovarian cancer syndrome; Hereditary breast and ovarian cancer; Hereditary breast and ovarian cancer syndrome; BRCA1- and BRCA2-Associated Hereditary Breast and Ovarian Cancer; Hereditary breast and ovarian cancer syndrome (HBOC). Identifiers: Orphanet 145, MedGen C0677776, MeSH D061325, MONDO:0003582. Disease mechanism: loss of function.
Carcinoma of pancreas. Also called: Exocrine pancreatic carcinoma; PANCREATIC ACINAR CARCINOMA; PANCREATIC CARCINOMA; Pancreatic cancer, somatic; Pancreatic carcinoma, somatic. Identifiers: Orphanet 1333, Orphanet 217074, MedGen C0235974, MONDO:0005192. Disease mechanism: loss of function.

Allele frequency attached by ClinVar (database versions not stated): TOPMed 0.00001; gnomAD 0.00001.
gnomAD v4.1: 25 of 1,613,878 alleles (0.0015%); highest among the groups gnomAD compares: East Asian, 0.0045%; no homozygotes.

Submissions 1 to 9 of 39:

Evidence-based Network for the Interpretation of Germline Mutant Alleles (ENIGMA)
Classification: Pathogenic for Breast-ovarian cancer, familial, susceptibility to, 2. Last evaluated: 2016-04-22. Review status: reviewed by expert panel. Criteria: ENIGMA BRCA1/2 Classification Criteria (2015). Collection method: curation. Allele origin: germline.
Comment: Variant allele predicted to encode a truncated non-functional protein.

PreventionGenetics, part of Exact Sciences
Classification: Pathogenic for BRCA2-related condition. Last evaluated: 2026-03-02. Review status: criteria provided, single submitter. Criteria: ACMG Guidelines, 2015. Collection method: clinical testing. Allele origin: germline. Not counted in ClinVar's aggregate classification.
Comment: The BRCA2 c.7480C>T variant is predicted to result in premature protein termination (p.Arg2494*). This variant has been reported in multiple patients with hereditary breast and ovarian cancer, and is documented as a recurrent pathogenic change in both the Finnish and Korean populations (see for example - Vehmanen et al. 1997. PubMed ID: 9361038; Park et al. 2017. PubMed ID: 28111427, alternative nomenclature c.7708C>T). This variant is reported in 0.018% of alleles in individuals of European (Finnish) descent in gnomAD and has been interpreted as pathogenic in the ClinVar database by an expert panel (Variation ID: 38099). Nonsense variants in BRCA2 are expected to be pathogenic. This variant is interpreted as pathogenic.

Labcorp Genetics (formerly Invitae), Labcorp
Classification: Pathogenic for Hereditary breast ovarian cancer syndrome. Last evaluated: 2026-01-06. Review status: criteria provided, single submitter. Criteria: Invitae Variant Classification Sherloc (09022015). Collection method: clinical testing. Allele origin: germline. Not counted in ClinVar's aggregate classification.
Comment: This sequence change creates a premature translational stop signal (p.Arg2494*) in the BRCA2 gene. It is expected to result in an absent or disrupted protein product. Loss-of-function variants in BRCA2 are known to be pathogenic (PMID: 20104584). This variant is present in population databases (rs80358972, gnomAD 0.02%). This premature translational stop signal has been observed in individual(s) with breast and/or ovarian cancer (PMID: 9361038, 16455195, 19656164, 22798144, 23199084, 24312913). It has also been observed to segregate with disease in related individuals. This variant is also known as 7708C>T. ClinVar contains an entry for this variant (Variation ID: 38099). For these reasons, this variant has been classified as Pathogenic.

Genetics Laboratory, Great Ormond Street Hospital NHS Foundation Trust, North Thames Genomic Laboratory Hub
Classification: Pathogenic for Inherited breast cancer and ovarian cancer. Last evaluated: 2025-10-22. Review status: criteria provided, single submitter. Criteria: CanVIG BRCA Gene Specific V1.22. Collection method: clinical testing. Allele origin: germline. Affected: yes. Not counted in ClinVar's aggregate classification.
Comment: PS4_supporting, PM2_supporting, PVS1_very-strong, PM5_strong, PP4_moderate

Ambry Genetics
Classification: Pathogenic for Hereditary cancer-predisposing syndrome. Last evaluated: 2025-04-22. Review status: criteria provided, single submitter. Criteria: Ambry Variant Classification Scheme 2023. Collection method: clinical testing. Allele origin: germline. Not counted in ClinVar's aggregate classification.
Comment: The p.R2494* pathogenic mutation (also known as c.7480C>T), located in coding exon 14 of the BRCA2 gene, results from a C to T substitution at nucleotide position 7480. This changes the amino acid from an arginine to a stop codon within coding exon 14. This mutation was originally detected in multiple hereditary breast and ovarian cancer (HBOC) syndrome families identified in Finland and has subsequently been reported as a founder mutation in the Finnish population (Vehmanen P et al. Hum. Mol. Genet. 1997 Dec;6:2309-15; Janaviius R. EPMA J. 2010 Sep;1:397-412). It has also been identified in multiple HBOC families of Korean descent (Kang HC et al. Hum. Mutat. 2002 Sep;20:235; Son BH et al. Breast Cancer Res. Treat. 2012 Jun;133:1143-52), as well as in other cohorts of individuals with personal and/or family histories consistent with HBOC (Dutil J et al. Cancer Genet. 2012 May;205:242-8; Park J et al. Ann. Lab. Med. 2016 Mar;36:197-201; Weren RD et al. Hum. Mutat. 2017 Feb;38:226-235; Tedaldi G et al. Oncotarget 2017 Jul;8:47064-47075; Sun J et al. Clin. Cancer Res. 2017 Oct;23:6113-6119; Lee K et al. Invest New Drugs, 2018 Feb;36:163-169; Eoh KJ et al. Cancer Res. Treat. 2018 Jul;50(3):917-925). Of note, this alteration is also designated as 7708C>T in published literature. In addition to the clinical data presented in the literature, this alteration is expected to result in loss of function by premature protein truncation or nonsense-mediated mRNA decay. As such, this alteration is interpreted as a disease-causing mutation.

Blueprint Genetics
Classification: Pathogenic for BRCA2-related disorders. Last evaluated: 2024-10-28. Review status: criteria provided, single submitter. Criteria: ACMG Guidelines, 2015. Collection method: clinical testing. Allele origin: germline. Affected: yes. Observed: 5 variant alleles. Not counted in ClinVar's aggregate classification.

All of Us Research Program, National Institutes of Health
Classification: Pathogenic for BRCA2-related cancer predisposition. Last evaluated: 2024-06-09. Review status: criteria provided, single submitter. Criteria: ACMG Guidelines, 2015. Collection method: clinical testing. Allele origin: germline. Inheritance: Autosomal dominant inheritance. Observed: 2 variant alleles, 2 heterozygotes. Not counted in ClinVar's aggregate classification.
Comment: This variant changes 1 nucleotide in exon 15 of the BRCA2 gene, creating a premature translation stop signal. This variant is expected to result in an absent or non-functional protein product. This variant has been reported in individuals affected with breast or ovarian cancer (PMID: 9361038, 16455195, 19656164, 22798144, 23199084, 24312913, 27153395, 28724667, 29020732, 29084914) or pancreatic cancer (PMID: 28782087). This variant is known to be a founder mutation in the Korean and Finnish populations (PMID: 23199084, 24312913). This variant has been identified in 8/251440 chromosomes in the general population by the Genome Aggregation Database (gnomAD). Loss of BRCA2 function is a known mechanism of disease. Based on the available evidence, this variant is classified as Pathogenic.

This study involves interpretation of variants in research participants for the purpose of population health screening. Participant phenotype was not available at the time of variant classification. Additional details can be found in publication PMID: 35346344, PMCID: PMC8962531

Department of Clinical Genetics, Copenhagen University Hospital, Rigshospitalet
Classification: Pathogenic for Breast-ovarian cancer, familial, susceptibility to, 2. Last evaluated: 2024-05-27. Review status: criteria provided, single submitter. Criteria: ACMG Guidelines, 2015. Collection method: clinical testing. Allele origin: germline. Affected: yes. Not counted in ClinVar's aggregate classification.
Comment: PVS1; PM5_PTC_Strong

Baylor Genetics
Classification: Pathogenic for Familial cancer of breast. Last evaluated: 2024-03-19. Review status: criteria provided, single submitter. Criteria: ACMG Guidelines, 2015. Collection method: clinical testing. Allele origin: unknown. Not counted in ClinVar's aggregate classification.

NM_000059.4(BRCA2):c.7480C>T (p.Arg2494Ter)

Gene: BRCA2 (BRCA2 DNA repair associated; plus strand). Cytogenetic location: 13q13.1.
Variant type: single nucleotide variant.
Coding change: c.7480C>T on transcript NM_000059.4 (MANE Select); coding-DNA position 7480, C replaced by T.
Protein change: p.Arg2494Ter; replaces arginine 2494 with a stop codon.
Molecular consequence: nonsense.
Genome position (GRCh38, 1-based): chr13:32,356,472, C>T. VCF-style: chr13-32356472-C-T. GRCh37 (hg19) VCF-style: chr13-32930609-C-T.
Other names: p.R2494*:CGA>TGA; 7708C>T; short protein forms R2494*.
Identifiers: ClinVar variation 38099 (VCV000038099.76), dbSNP rs80358972, ClinGen allele CA025108.